The following is an entry in ClinVar:

NM_001029896.2(WDR45):c.827+1G>A

Gene: WDR45 (WD repeat domain 45; minus strand). Cytogenetic location: Xp11.23.
Variant type: single nucleotide variant.
Coding change: c.827+1G>A on transcript NM_001029896.2 (MANE Select); the canonical splice donor site of the intron after coding-DNA position 827, G replaced by A.
Molecular consequence: splice donor variant.
Genome position (GRCh38, 1-based): chrX:49,075,363, C>T on the plus strand (G>A on the coding strand, the complement: WDR45 is on the minus strand). VCF-style: chrX-49075363-C-T. GRCh37 (hg19) VCF-style: chrX-48933022-C-T.
Other names: c.830+1G>A (NM_007075.4).
Identifiers: ClinVar variation 265508 (VCV000265508.57), dbSNP rs1557083958, ClinGen allele CA10588789.

ClinVar aggregate classification (germline): Pathogenic. Review status: criteria provided, multiple submitters, no conflicts (2 of 4 stars). 12 submissions from 12 submitters: Pathogenic (10). 2 of the submissions do not count toward it. Last evaluated 2026-03-27.

Conditions:
Neurodegeneration with brain iron accumulation 5 (NBIA5). Also called: STATIC ENCEPHALOPATHY OF CHILDHOOD WITH NEURODEGENERATION IN ADULTHOOD; Beta-propeller protein-associated neurodegeneration. Identifiers: Orphanet 329284, MedGen C3550973, MONDO:0010476, OMIM 300894.
Neurodegeneration with brain iron accumulation (NBIA). Identifiers: Orphanet 385, MedGen C2931845, MONDO:0018307.

Allele frequency attached by ClinVar (database versions not stated): gnomAD exomes below 0.00001.
gnomAD v4.1: 1 of 1,207,924 alleles (0.000083%); highest among the groups gnomAD compares: Non-Finnish European, 0.00011%; no homozygotes.

Submissions (12):

Center for Human Genetics and Genomic Medicine, Uniklinik Rwth Aachen
Classification: Pathogenic for Neurodegeneration with brain iron accumulation 5. Last evaluated: 2026-03-27. Review status: criteria provided, single submitter. Criteria: ACMG Guidelines, 2015. Collection method: clinical testing. Allele origin: de novo. Affected: yes.

Variantyx, Inc.
Classification: Pathogenic for Neurodegeneration with brain iron accumulation 5. Last evaluated: 2026-01-13. Review status: criteria provided, single submitter. Criteria: Variantyx Assertion Criteria 2022. Collection method: clinical testing. Allele origin: maternal. Inheritance: X-linked dominant inheritance. Affected: yes.
Comment: This is a canonical splicing variant in the WDR45 gene (OMIM: 300526). Pathogenic variants in this gene have been associated with X-linked neurodegeneration with brain iron accumulation 5. This splicing variant is expected to result in loss of function, which is a known disease mechanism for WDR45 in this disorder (PMID: 23687123, 28711740) (PVS1). This variant has a 0.0001% maximum allele frequency in non-founder control populations (PM2). Based on the current evidence, this variant is classified as pathogenic for X-linked neurodegeneration with brain iron accumulation 5.

Labcorp Genetics (formerly Invitae), Labcorp
Classification: Pathogenic for Neurodegeneration with brain iron accumulation 5. Last evaluated: 2024-01-22. Review status: criteria provided, single submitter. Criteria: Invitae Variant Classification Sherloc (09022015). Collection method: clinical testing. Allele origin: germline.
Comment: This sequence change affects a donor splice site in intron 10 of the WDR45 gene. It is expected to disrupt RNA splicing. Variants that disrupt the donor or acceptor splice site typically lead to a loss of protein function (PMID: 16199547), and loss-of-function variants in WDR45 are known to be pathogenic (PMID: 23176820, 24368176, 24621584, 25744623, 26790960, 27030146, 27652284, 28554332). This variant is not present in population databases (gnomAD no frequency). Disruption of this splice site has been observed in individual(s) with betapropeller protein-associated neurodegeneration and Rett-like syndrome with childhood iron deposition in brain (PMID: 23176820, 24621584, 28711740). In at least one individual the variant was observed to be de novo. ClinVar contains an entry for this variant (Variation ID: 265508). Algorithms developed to predict the effect of sequence changes on RNA splicing suggest that this variant may disrupt the consensus splice site. For these reasons, this variant has been classified as Pathogenic.

Institute of Human Genetics, University of Leipzig Medical Center
Classification: Pathogenic for Neurodegeneration with brain iron accumulation 5. Last evaluated: 2023-10-13. Review status: criteria provided, single submitter. Criteria: ACMG Guidelines, 2015. Collection method: clinical testing. Allele origin: unknown. Inheritance: X-linked dominant inheritance. Affected: yes.
Comment: Criteria applied: PVS1,PM2_SUP_STR,PS4_MOD

CeGaT Center for Human Genetics Tuebingen
Classification: Pathogenic. Last evaluated: 2022-11-01. Review status: criteria provided, single submitter. Criteria: CeGaT Center For Human Genetics Tuebingen Variant Classification Criteria Version 2. Collection method: clinical testing. Allele origin: germline. Affected: yes. Observed: 1 variant allele.
Comment: WDR45: PVS1, PS2, PM2

Greenwood Genetic Center Diagnostic Laboratories, Greenwood Genetic Center
Classification: Pathogenic for Neurodegeneration with brain iron accumulation 5. Last evaluated: 2022-03-02. Review status: criteria provided, single submitter. Criteria: ACMG Guidelines, 2015. Collection method: clinical testing. Allele origin: germline. Affected: yes.
Comment: PVS1, PS2_Very Strong, PM2

GeneDx
Classification: Pathogenic. Last evaluated: 2022-02-27. Review status: criteria provided, single submitter. Criteria: GeneDx Variant Classification Process June 2021. Collection method: clinical testing. Allele origin: germline. Affected: yes.
Comment: Canonical splice site variant in a gene for which loss-of-function is a known mechanism of disease. Results in aberrant splicing in which 82 bp intronic sequences are retained through the use of a cryptic splice donor site within intron 10, resulting in a premature stop codon (Ohba et al., 2014).; Not observed in large population cohorts (gnomAD); This variant is associated with the following publications: (PMID: 26790960, 26481852, 28711740, 25533962, 28135719, 28191890, 30842224, 24621584, 23176820, 31293896, 31505688, 33504798, 33037762, 31038196)

3billion
Classification: Pathogenic for Neurodegeneration with brain iron accumulation 5. Last evaluated: 2021-10-02. Review status: criteria provided, single submitter. Criteria: ACMG Guidelines, 2015. Collection method: clinical testing. Allele origin: germline. Affected: yes. Observed: 1 heterozygote.
Comment: Canonical splice site: predicted to alter splicing and result in a loss or disruption of normal protein function through nonsense-mediated decay (NMD) or protein truncation. Multiple pathogenic variants are reported downstream of the variant (PVS1_VS). The variant has been observed in at least two similarly affected unrelated individuals (PMID: 28711740, 24621584, PS4_M).It is not observed in the gnomAD v2.1.1 dataset (PM2). The variant was observed as assumed (i.e. paternity and maternity not confirmed) de novoo (3billion dataset, PM6). Therefore, this variant is classified as pathogenic according to the recommendation of ACMG/AMP guideline.

Revvity Omics, Revvity
Classification: Pathogenic for Neurodegeneration with brain iron accumulation 5. Last evaluated: 2021-02-24. Review status: criteria provided, single submitter. Criteria: ACMG Guidelines, 2015. Collection method: clinical testing. Allele origin: germline.

Institute of Human Genetics Munich, TUM University Hospital
Classification: Pathogenic for Neurodegeneration with brain iron accumulation 5. Last evaluated: 2017-10-13. Review status: criteria provided, single submitter. Criteria: Classification criteria August 2017. Collection method: clinical testing. Allele origin: de novo. Inheritance: X-linked inheritance. Affected: yes. Observed: 1 hemizygote.

Pediatric Genetics Clinic, Sheba Medical Center
Classification: Pathogenic for Neurodegeneration with brain iron accumulation 5. Last evaluated: 2021-05-13. Review status: no assertion criteria provided. Collection method: clinical testing. Allele origin: de novo. Affected: yes. Observed: 1 heterozygote. Not counted in ClinVar's aggregate classification.

Cytogénomique, Hospices Civils de Lyon
Classification: Pathogenic for Neurodegeneration with brain iron accumulation 5. Review status: no assertion criteria provided. Collection method: clinical testing. Allele origin: unknown. Inheritance: X-linked dominant inheritance. Affected: yes. Not counted in ClinVar's aggregate classification.

Literature cited by the submitters: PubMed 23687123 (cited by Variantyx, Inc.); PubMed 28711740 (cited by 3 submitters); PubMed 23176820 (cited by Variantyx, Inc. and Labcorp Genetics (formerly Invitae), Labcorp); PubMed 24621584 (cited by 3 submitters); PubMed 16199547 (cited by Labcorp Genetics (formerly Invitae), Labcorp); PubMed 24368176 (cited by Labcorp Genetics (formerly Invitae), Labcorp); PubMed 25744623 (cited by Labcorp Genetics (formerly Invitae), Labcorp); PubMed 26790960 (cited by Labcorp Genetics (formerly Invitae), Labcorp); PubMed 27030146 (cited by Labcorp Genetics (formerly Invitae), Labcorp); PubMed 27652284 (cited by Labcorp Genetics (formerly Invitae), Labcorp); PubMed 28554332 (cited by Labcorp Genetics (formerly Invitae), Labcorp).